The following is an entry in ClinVar:

NM_018061.4(PRPF38B):c.1463G>A (p.Arg488Gln)

Gene: PRPF38B (pre-mRNA processing factor 38B; plus strand). Cytogenetic location: 1p13.3.
Variant type: single nucleotide variant.
Coding change: c.1463G>A on transcript NM_018061.4 (MANE Select); coding-DNA position 1463, G replaced by A.
Protein change: p.Arg488Gln; replaces arginine 488 with glutamine.
Molecular consequence: missense variant.
Genome position (GRCh38, 1-based): chr1:108,699,842, G>A. VCF-style: chr1-108699842-G-A. GRCh37 (hg19) VCF-style: chr1-109242464-G-A.
Other names: c.1130G>A, p.Arg377Gln (NM_001349757.2); c.911G>A, p.Arg304Gln (NM_001349758.2, NM_001349759.2); c.1028G>A, p.Arg343Gln (NM_001349761.2, NM_001349762.2); c.917G>A, p.Arg306Gln (NM_001349763.2, NM_001349764.2, NM_001349765.2); c.872G>A, p.Arg291Gln (NM_001349766.2, NM_001349767.2, NM_001349768.2 and 3 more transcripts); short protein forms R488Q, R291Q, R304Q, R306Q, R377Q, R343Q.
Identifiers: ClinVar variation 91998 (VCV000091998.4), dbSNP rs386352353, ClinGen allele CA232320.
Genomic context (GRCh38, chr1:108,699,842, plus strand): 5'-ATAAACGAAGTCGAAGTGGCAGTCAAGGAAGAACTGACAGTGTTGAAAAATCAAAAAAAC[G>A]GGAACATAGTCCCAGCAAAGAAAAATCTAGAAAGCGTAGTAGAAGCAAAGAACGTTCCCA-3'
Protein context (NP_060531.2, residues 478-498): RTDSVEKSKK[Arg488Gln]EHSPSKEKSR

ClinVar aggregate classification (germline): Uncertain significance. Review status: criteria provided, single submitter (1 of 4 stars). 2 submissions from 2 submitters: Uncertain significance (1). 1 of the submissions does not count toward it. Last evaluated 2022-10-26.

Allele frequency attached by ClinVar (database versions not stated): gnomAD exomes 0.00001; ExAC 0.00002.
gnomAD v4.1: 14 of 1,613,240 alleles (0.00087%); highest among the groups gnomAD compares: East Asian, 0.011%; no homozygotes.

Submissions (2):

Ambry Genetics
Classification: Uncertain significance. Last evaluated: 2022-10-26. Review status: criteria provided, single submitter. Criteria: Ambry Variant Classification Scheme 2023. Collection method: clinical testing. Allele origin: germline.

Richard Lifton Laboratory, Yale University School of Medicine
Classification: Uncertain significance. Review status: no assertion criteria provided. Collection method: not provided. Allele origin: somatic. Not counted in ClinVar's aggregate classification.
Comment: PRPF38B
ClinVar note: Converted during submission from unknown to Uncertain significance.